The following is an entry in ClinVar:

NM_018941.4(CLN8):c.303C>G (p.Asn101Lys)

Gene: CLN8 (CLN8 transmembrane ER and ERGIC protein; plus strand). Cytogenetic location: 8p23.3.
Variant type: single nucleotide variant.
Coding change: c.303C>G on transcript NM_018941.4 (MANE Select); coding-DNA position 303, C replaced by G.
Protein change: p.Asn101Lys; replaces asparagine 101 with lysine.
Molecular consequence: missense variant.
Genome position (GRCh38, 1-based): chr8:1,771,357, C>G. VCF-style: chr8-1771357-C-G. GRCh37 (hg19) VCF-style: chr8-1719523-C-G.
Other names: short protein forms N101K.
Identifiers: ClinVar variation 839247 (VCV000839247.4), dbSNP rs755831055, ClinGen allele CA4599247.

ClinVar aggregate classification (germline): Uncertain significance. Review status: criteria provided, single submitter (1 of 4 stars). 2 submissions from 2 submitters: Uncertain significance (1). 1 of the submissions does not count toward it. Last evaluated 2021-10-06.

Conditions:
Neuronal ceroid lipofuscinosis. Also called: Neuronal Ceroid Lipofuscinoses. Identifiers: Orphanet 216, Orphanet 79263, MedGen C0027877, MONDO:0016295. Disease mechanism: loss of function.
Neuronal ceroid lipofuscinosis 8 (CLN8). Also called: CLN8-Related Neuronal Ceroid-Lipofuscinosis. Identifiers: Orphanet 168491, Orphanet 228354, Orphanet 79264, MedGen C1838570, MONDO:0010830, OMIM 600143.

Allele frequency attached by ClinVar (database versions not stated): gnomAD below 0.00001 and 0.00001; TOPMed below 0.00001; ExAC 0.00002.
gnomAD v4.1: 23 of 1,614,110 alleles (0.0014%); highest among the groups gnomAD compares: South Asian, 0.023%; no homozygotes.

Submissions (2):

Labcorp Genetics (formerly Invitae), Labcorp
Classification: Uncertain significance for Neuronal ceroid lipofuscinosis. Last evaluated: 2021-10-06. Review status: criteria provided, single submitter. Criteria: Invitae Variant Classification Sherloc (09022015). Collection method: clinical testing. Allele origin: germline.
Comment: This sequence change replaces asparagine with lysine at codon 101 of the CLN8 protein (p.Asn101Lys). The asparagine residue is moderately conserved and there is a moderate physicochemical difference between asparagine and lysine. This variant is present in population databases (rs755831055, ExAC 0.02%). This variant has not been reported in the literature in individuals affected with CLN8-related conditions. Algorithms developed to predict the effect of missense changes on protein structure and function (SIFT, PolyPhen-2, Align-GVGD) all suggest that this variant is likely to be tolerated. In summary, the available evidence is currently insufficient to determine the role of this variant in disease. Therefore, it has been classified as a Variant of Uncertain Significance.

Natera, Inc.
Classification: Uncertain significance for Neuronal ceroid lipofuscinosis 8. Last evaluated: 2020-01-28. Review status: no assertion criteria provided. Collection method: clinical testing. Allele origin: germline. Not counted in ClinVar's aggregate classification.